The following is an entry in ClinVar:

ClinVar aggregate classification (germline): Uncertain significance (1 of 4 stars; one submission).

Conditions:
Leukodystrophy, hypomyelinating, 6. Also called: LEUKODYSTROPHY, HYPOMYELINATING, WITH ATROPHY OF THE BASAL GANGLIA AND CEREBELLUM; Hypomyelination with Atrophy of Basal Ganglia and Cerebellum (H-ABC); TUBB4A-Associated Leukodystrophy. Identifiers: Orphanet 139441, MedGen C2676244, MONDO:0012905, OMIM 612438.

Allele frequency attached by ClinVar (database versions not stated): TOPMed below 0.00001; ESP Exome Variant Server 0.00008.

Submission:

Labcorp Genetics (formerly Invitae), Labcorp
Classification: Uncertain significance for Leukodystrophy, hypomyelinating, 6. Last evaluated: 2022-09-07. Review status: criteria provided, single submitter. Criteria: Invitae Variant Classification Sherloc (09022015). Collection method: clinical testing. Allele origin: germline.
Comment: In summary, the available evidence is currently insufficient to determine the role of this variant in disease. Therefore, it has been classified as a Variant of Uncertain Significance. Algorithms developed to predict the effect of missense changes on protein structure and function (SIFT, PolyPhen-2, Align-GVGD) all suggest that this variant is likely to be disruptive. This variant has not been reported in the literature in individuals affected with TUBB4A-related conditions. This variant is present in population databases (rs371265470, gnomAD 0.002%). This sequence change replaces glutamic acid, which is acidic and polar, with glutamine, which is neutral and polar, at codon 125 of the TUBB4A protein (p.Glu125Gln).

NM_006087.4(TUBB4A):c.373G>C (p.Glu125Gln)

Gene: TUBB4A (tubulin beta 4A class IVa; minus strand). Cytogenetic location: 19p13.3.
Variant type: single nucleotide variant.
Coding change: c.373G>C on transcript NM_006087.4 (MANE Select); coding-DNA position 373, G replaced by C.
Protein change: p.Glu125Gln; replaces glutamic acid 125 with glutamine.
Molecular consequence: missense variant.
Genome position (GRCh38, 1-based): chr19:6,496,126, C>G on the plus strand (G>C on the coding strand, the complement: TUBB4A is on the minus strand). VCF-style: chr19-6496126-C-G. GRCh37 (hg19) VCF-style: chr19-6496137-C-G.
Other names: c.526G>C, p.Glu176Gln (NM_001289123.2); c.508G>C, p.Glu170Gln (NM_001289127.2); c.373G>C, p.Glu125Gln (NM_001289129.2); c.157G>C, p.Glu53Gln (NM_001289130.2, NM_001289131.2); short protein forms E170Q, E176Q, E125Q, E53Q.
Identifiers: ClinVar variation 1959383 (VCV001959383.5), dbSNP rs371265470, ClinGen allele CA9127379.
Genomic context (GRCh38, chr19:6,496,126, plus strand): 5'-ACCCCGTGCCACCCCCCAGCGAGTGGGTCAGCTGGAAGCCCTGAAGGCAGTCGCAGCTCT[C>G]GGCCTCCTTCCGGACTACGTCCAGGACAGCGTCCACCAGCTCTGCGCCCTCCGTGTAGTG-3'
Protein context (NP_006078.2, residues 115-135): AVLDVVRKEA[Glu125Gln]SCDCLQGFQL